The following is an entry in ClinVar:

ClinVar aggregate classification (germline): Likely pathogenic. Review status: criteria provided, multiple submitters, no conflicts (2 of 4 stars). 2 submissions from 2 submitters: Likely pathogenic (2). Last evaluated 2024-12-27.

Submissions (2):

GeneDx
Classification: Likely pathogenic. Last evaluated: 2024-12-27. Review status: criteria provided, single submitter. Criteria: GeneDx Variant Classification Process June 2021. Collection method: clinical testing. Allele origin: germline. Affected: yes.
Comment: In silico analysis supports that this missense variant has a deleterious effect on protein structure/function; Not observed at significant frequency in large population cohorts (gnomAD); This variant is associated with the following publications: (PMID: 22190451)

Labcorp Genetics (formerly Invitae), Labcorp
Classification: Likely pathogenic. Last evaluated: 2020-05-22. Review status: criteria provided, single submitter. Criteria: Invitae Variant Classification Sherloc (09022015). Collection method: clinical testing. Allele origin: germline.
Comment: This sequence change replaces aspartic acid with glycine at codon 167 of the FLNB protein (p.Asp167Gly). The aspartic acid residue is highly conserved and there is a moderate physicochemical difference between aspartic acid and glycine. In summary, the currently available evidence indicates that the variant is pathogenic, but additional data are needed to prove that conclusively. Therefore, this variant has been classified as Likely Pathogenic. This variant disrupts the p.Asp167 amino acid residue in FLNB. Other variant(s) that disrupt this residue have been observed in individuals with FLNB-related conditions (PMID: 22190451), which suggests that this may be a clinically significant amino acid residue. Algorithms developed to predict the effect of missense changes on protein structure and function are either unavailable or do not agree on the potential impact of this missense change (SIFT: "Tolerated"; PolyPhen-2: "Possibly Damaging"; Align-GVGD: "Class C0"). This variant has been observed in individual(s) with Larsen syndrome (PMID: 22190451). In at least one individual the variant was observed to be de novo. This variant is not present in population databases (ExAC no frequency).

Literature cited by the submitters: PubMed 22190451 (cited by Labcorp Genetics (formerly Invitae), Labcorp).

NM_001457.4(FLNB):c.500A>G (p.Asp167Gly)

Gene: FLNB (filamin B; plus strand). Cytogenetic location: 3p14.3.
Variant type: single nucleotide variant.
Coding change: c.500A>G on transcript NM_001457.4 (MANE Select); coding-DNA position 500, A replaced by G.
Protein change: p.Asp167Gly; replaces aspartic acid 167 with glycine.
Molecular consequence: missense variant.
Genome position (GRCh38, 1-based): chr3:58,077,253, A>G. VCF-style: chr3-58077253-A-G. GRCh37 (hg19) VCF-style: chr3-58062980-A-G.
Other names: c.500A>G (NM_001457.3); c.500A>G, p.Asp167Gly (NM_001164317.2, NM_001164318.2, NM_001164319.2); short protein forms D167G.
Identifiers: ClinVar variation 1067019 (VCV001067019.6), dbSNP rs2106946911, ClinGen allele CA353333570.
Genomic context (GRCh38, chr3:58,077,253, plus strand): 5'-GGTGGATTCAGAACAAGATCCCCTACTTGCCCATCACCAACTTTAACCAGAACTGGCAAG[A>G]CGGCAAAGCCCTGGGAGCCCTGGTAGACAGCTGTGCTCCAGGTAAGTGGCCAGGGCTGCC-3'
Protein context (NP_001448.2, residues 157-177): PITNFNQNWQ[Asp167Gly]GKALGALVDS